The following is an entry in ClinVar:

ClinVar aggregate classification (germline): Uncertain significance (1 of 4 stars; one submission).

Submission:

Labcorp Genetics (formerly Invitae), Labcorp
Classification: Uncertain significance. Last evaluated: 2023-02-21. Review status: criteria provided, single submitter. Criteria: Invitae Variant Classification Sherloc (09022015). Collection method: clinical testing. Allele origin: germline.
Comment: In summary, the available evidence is currently insufficient to determine the role of this variant in disease. Therefore, it has been classified as a Variant of Uncertain Significance. Variants that disrupt the consensus splice site are a relatively common cause of aberrant splicing (PMID: 17576681, 9536098). Algorithms developed to predict the effect of sequence changes on RNA splicing suggest that this variant is not likely to affect RNA splicing. This variant has not been reported in the literature in individuals affected with COL9A3-related conditions. This variant is not present in population databases (gnomAD no frequency). This sequence change affects codon 173 of the COL9A3 mRNA. It is a 'silent' change, meaning that it does not change the encoded amino acid sequence of the COL9A3 protein. This variant also falls at the last nucleotide of exon 10, which is part of the consensus splice site for this exon.

Literature cited by the submitters: PubMed 17576681; PubMed 9536098.

NM_001853.4(COL9A3):c.519G>A (p.Gln173=)

Gene: COL9A3 (collagen type IX alpha 3 chain; plus strand). Cytogenetic location: 20q13.33.
Variant type: single nucleotide variant.
Coding change: c.519G>A on transcript NM_001853.4 (MANE Select); coding-DNA position 519, G replaced by A.
Protein change: p.Gln173=; no amino-acid change (glutamine 173 retained).
Molecular consequence: synonymous variant.
Genome position (GRCh38, 1-based): chr20:62,822,632, G>A. VCF-style: chr20-62822632-G-A. GRCh37 (hg19) VCF-style: chr20-61453984-G-A.
Identifiers: ClinVar variation 2839622 (VCV002839622.3), dbSNP rs2516032364, ClinGen allele CA511165636.